The following is an entry in ClinVar:

ClinVar aggregate classification (germline): Benign/Likely benign. Review status: criteria provided, multiple submitters, no conflicts (2 of 4 stars). 3 submissions from 3 submitters: Benign (1); Likely benign (2). Last evaluated 2025-04-01.

Allele frequency attached by ClinVar (database versions not stated): gnomAD exomes 0.00088; ExAC 0.00104; gnomAD 0.00255 and 0.00264; TOPMed 0.00271; ESP Exome Variant Server 0.00346; 1000 Genomes Project 0.00419; 1000 Genomes Project 30x 0.00422.
gnomAD v4.1: 952 of 1,614,138 alleles (0.059%); highest among the groups gnomAD compares: African/African-American, 0.77%; 3 homozygotes.

Submissions (3):

CeGaT Center for Human Genetics Tuebingen
Classification: Benign. Last evaluated: 2025-04-01. Review status: criteria provided, single submitter. Criteria: CeGaT Center For Human Genetics Tuebingen Variant Classification Criteria Version 2. Collection method: clinical testing. Allele origin: germline. Affected: yes. Observed: 2 variant alleles.
Comment: SRRM2: BP4, BS1, BS2

Labcorp Genetics (formerly Invitae), Labcorp
Classification: Likely benign. Last evaluated: 2017-10-11. Review status: criteria provided, single submitter. Criteria: Invitae Variant Classification Sherloc (09022015). Collection method: clinical testing. Allele origin: germline.

Breakthrough Genomics
Classification: Likely benign. Review status: criteria provided, single submitter. Criteria: ACMG Guidelines, 2015. Collection method: not provided. Allele origin: germline. Inheritance: Unknown mechanism. Affected: yes.

NM_016333.4(SRRM2):c.7787C>T (p.Pro2596Leu)

Gene: SRRM2 (serine/arginine repetitive matrix 2; plus strand). Cytogenetic location: 16p13.3.
Variant type: single nucleotide variant.
Coding change: c.7787C>T on transcript NM_016333.4 (MANE Select); coding-DNA position 7787, C replaced by T.
Protein change: p.Pro2596Leu; replaces proline 2596 with leucine.
Molecular consequence: missense variant.
Genome position (GRCh38, 1-based): chr16:2,769,050, C>T. VCF-style: chr16-2769050-C-T. GRCh37 (hg19) VCF-style: chr16-2819051-C-T.
Other names: short protein forms P2596L.
Identifiers: ClinVar variation 782013 (VCV000782013.28), dbSNP rs111694508, ClinGen allele CA7849268.
Genomic context (GRCh38, chr16:2,769,050, plus strand): 5'-CCCACAGGGTCCCCAGCCCCACCCCAGCCCCAAAGGAGGCTGTTCGAGAGGGACGTCCTC[C>T]GGAGCCAACCCCAGCCAAACGGAAGAGGCGCTCTAGCAGTTCCAGTTCCAGCTCCTCCTC-3'
Protein context (NP_057417.3, residues 2586-2606): PKEAVREGRP[Pro2596Leu]EPTPAKRKRR